The following is an entry in ClinVar:

ClinVar aggregate classification (germline): Uncertain significance (1 of 4 stars; one submission).

Conditions:
Cortical dysplasia-focal epilepsy syndrome (PTHSL1). Also called: Pitt-Hopkins-like syndrome 1. Identifiers: Orphanet 163681, Orphanet 221150, MedGen C2750246, MONDO:0012400, OMIM 610042.

Allele frequency attached by ClinVar (database versions not stated): gnomAD 0.00001; gnomAD exomes 0.00001; TOPMed 0.00002.
gnomAD v4.1: 5 of 1,613,556 alleles (0.00031%); highest among the groups gnomAD compares: Admixed American, 0.0033%; no homozygotes.

Submission:

Labcorp Genetics (formerly Invitae), Labcorp
Classification: Uncertain significance for Cortical dysplasia-focal epilepsy syndrome. Last evaluated: 2024-08-05. Review status: criteria provided, single submitter. Criteria: Invitae Variant Classification Sherloc (09022015). Collection method: clinical testing. Allele origin: germline.
Comment: This sequence change replaces threonine, which is neutral and polar, with alanine, which is neutral and non-polar, at codon 403 of the CNTNAP2 protein (p.Thr403Ala). This variant is present in population databases (no rsID available, gnomAD 0.006%). This variant has not been reported in the literature in individuals affected with CNTNAP2-related conditions. ClinVar contains an entry for this variant (Variation ID: 1449718). An algorithm developed to predict the effect of missense changes on protein structure and function (PolyPhen-2) suggests that this variant is likely to be disruptive. In summary, the available evidence is currently insufficient to determine the role of this variant in disease. Therefore, it has been classified as a Variant of Uncertain Significance.

NM_014141.6(CNTNAP2):c.1207A>G (p.Thr403Ala)

Gene: CNTNAP2 (contactin associated protein 2; plus strand). Cytogenetic location: 7q35.
Variant type: single nucleotide variant.
Coding change: c.1207A>G on transcript NM_014141.6 (MANE Select); coding-DNA position 1207, A replaced by G.
Protein change: p.Thr403Ala; replaces threonine 403 with alanine.
Molecular consequence: missense variant.
Genome position (GRCh38, 1-based): chr7:147,132,368, A>G. VCF-style: chr7-147132368-A-G. GRCh37 (hg19) VCF-style: chr7-146829460-A-G.
Other names: short protein forms T403A.
Identifiers: ClinVar variation 1449718 (VCV001449718.9), dbSNP rs1159171537, ClinGen allele CA369924715.